The following is an entry in ClinVar:

NM_001365276.2(TNXB):c.11603C>A (p.Pro3868His)

Genes: TNXB (tenascin XB; minus strand), LOC106780803 (tenascin XB recombination region; plus strand). Cytogenetic location: 6p21.33.
Variant type: single nucleotide variant.
Coding change: c.11603C>A on transcript NM_001365276.2 (MANE Select); coding-DNA position 11603, C replaced by A.
Protein change: p.Pro3868His; replaces proline 3868 with histidine.
Molecular consequence: missense variant.
Genome position (GRCh38, 1-based): chr6:32,043,484, G>T on the plus strand (C>A on the coding strand, the complement: TNXB is on the minus strand). VCF-style: chr6-32043484-G-T. GRCh37 (hg19) VCF-style: chr6-32011261-G-T.
Other names: c.12344C>A, p.Pro4115His (NM_001428335.1); c.11597C>A, p.Pro3866His (NM_019105.8); c.890C>A, p.Pro297His (NM_032470.4); short protein forms P297H, P3866H, P3868H, P4115H.
Identifiers: ClinVar variation 4535257 (VCV004535257.6).
Genomic context (GRCh38, chr6:32,043,484, plus strand): 5'-CAGGCCTGCTCACCCCCAGGGGCTGTGACCTGGACGTCATAGGTGTCCACAGGATTCTGG[G>T]GGGGCTTCCAGTGCAGCACGGCGAATCCCTCGGTCAAGTTCAGTGCACGCAACTGTGTGG-3'
Protein context (NP_001352205.1, residues 3858-3878): EGFAVLHWKP[Pro3868His]QNPVDTYDVQ

ClinVar aggregate classification (germline): Uncertain significance (1 of 4 stars; one submission).

Submission:

CeGaT Center for Human Genetics Tuebingen
Classification: Uncertain significance. Last evaluated: 2025-11-01. Review status: criteria provided, single submitter. Criteria: CeGaT Center For Human Genetics Tuebingen Variant Classification Criteria Version 2. Collection method: clinical testing. Allele origin: germline. Affected: yes. Observed: 1 variant allele.
Comment: TNXB: PM2, BP4